The following is an entry in ClinVar:

NM_001355436.2(SPTB):c.4732C>T (p.Gln1578Ter)

Gene: SPTB (spectrin beta, erythrocytic; minus strand). Cytogenetic location: 14q23.3.
Variant type: single nucleotide variant.
Coding change: c.4732C>T on transcript NM_001355436.2 (MANE Select); coding-DNA position 4732, C replaced by T.
Protein change: p.Gln1578Ter; replaces glutamine 1578 with a stop codon.
Molecular consequence: nonsense.
Genome position (GRCh38, 1-based): chr14:64,775,235, G>A on the plus strand (C>T on the coding strand, the complement: SPTB is on the minus strand). VCF-style: chr14-64775235-G-A. GRCh37 (hg19) VCF-style: chr14-65241953-G-A.
Other names: c.4732C>T, p.Gln1578Ter (NM_001024858.4, NM_001355437.2); short protein forms Q1578*.
Identifiers: ClinVar variation 4077659 (VCV004077659.2).

ClinVar aggregate classification (germline): Pathogenic/Likely pathogenic. Review status: criteria provided, multiple submitters, no conflicts (2 of 4 stars). 2 submissions from 2 submitters: Pathogenic (1); Likely pathogenic (1). Last evaluated 2025-09-10.

Submissions (2):

Labcorp Genetics (formerly Invitae), Labcorp
Classification: Pathogenic. Last evaluated: 2025-09-10. Review status: criteria provided, single submitter. Criteria: Invitae Variant Classification Sherloc (09022015). Collection method: clinical testing. Allele origin: germline.
Comment: This sequence change creates a premature translational stop signal (p.Gln1578*) in the SPTB gene. It is expected to result in an absent or disrupted protein product. Loss-of-function variants in SPTB are known to be pathogenic (PMID: 1391962, 1498324, 8844207, 26830532, 27292444). This variant is not present in population databases (gnomAD no frequency). This variant has not been reported in the literature in individuals affected with SPTB-related conditions. For these reasons, this variant has been classified as Pathogenic.

Revvity Omics, Revvity
Classification: Likely pathogenic. Last evaluated: 2024-01-30. Review status: criteria provided, single submitter. Criteria: ACMG Guidelines, 2015. Collection method: clinical testing. Allele origin: germline.

Literature cited by the submitters: PubMed 1391962 (cited by Labcorp Genetics (formerly Invitae), Labcorp); PubMed 1498324 (cited by Labcorp Genetics (formerly Invitae), Labcorp); PubMed 8844207 (cited by Labcorp Genetics (formerly Invitae), Labcorp); PubMed 26830532 (cited by Labcorp Genetics (formerly Invitae), Labcorp); PubMed 27292444 (cited by Labcorp Genetics (formerly Invitae), Labcorp).